The following is an entry in ClinVar:

NM_001171.6(ABCC6):c.3459C>T (p.Arg1153=)

Gene: ABCC6 (ATP binding cassette subfamily C member 6; minus strand). Cytogenetic location: 16p13.11.
Variant type: single nucleotide variant.
Coding change: c.3459C>T on transcript NM_001171.6 (MANE Select); coding-DNA position 3459, C replaced by T.
Protein change: p.Arg1153=; no amino-acid change (arginine 1153 retained).
Molecular consequence: synonymous variant.
Genome position (GRCh38, 1-based): chr16:16,163,040, G>A on the plus strand (C>T on the coding strand, the complement: ABCC6 is on the minus strand). VCF-style: chr16-16163040-G-A. GRCh37 (hg19) VCF-style: chr16-16256897-G-A.
Other names: c.3117C>T, p.Arg1039= (NM_001351800.1).
Identifiers: ClinVar variation 721909 (VCV000721909.18), dbSNP rs59030767, ClinGen allele CA7925577.

ClinVar aggregate classification (germline): Benign/Likely benign. Review status: criteria provided, multiple submitters, no conflicts (2 of 4 stars). 4 submissions from 4 submitters: Benign (2); Likely benign (2). Last evaluated 2026-01-31.

Allele frequency attached by ClinVar (database versions not stated): ExAC 0.00130; 1000 Genomes Project 0.00339; gnomAD 0.00343 and 0.00369; 1000 Genomes Project 30x 0.00359; TOPMed 0.00388; ESP Exome Variant Server 0.00469.
gnomAD v4.1: 1,098 of 1,614,026 alleles (0.068%); highest among the groups gnomAD compares: African/African-American, 1.2%; 7 homozygotes.

Submissions (4):

Labcorp Genetics (formerly Invitae), Labcorp
Classification: Benign. Last evaluated: 2026-01-31. Review status: criteria provided, single submitter. Criteria: Invitae Variant Classification Sherloc (09022015). Collection method: clinical testing. Allele origin: germline.

CeGaT Center for Human Genetics Tuebingen
Classification: Likely benign. Last evaluated: 2026-01-01. Review status: criteria provided, single submitter. Criteria: CeGaT Center For Human Genetics Tuebingen Variant Classification Criteria Version 2. Collection method: clinical testing. Allele origin: germline. Affected: yes. Observed: 2 variant alleles.
Comment: ABCC6: BP4, BP7, BS1

Blueprint Genetics
Classification: Likely benign. Last evaluated: 2024-11-27. Review status: criteria provided, single submitter. Criteria: ACMG Guidelines, 2015. Collection method: clinical testing. Allele origin: germline.

Breakthrough Genomics
Classification: Benign. Review status: criteria provided, single submitter. Criteria: ACMG Guidelines, 2015. Collection method: not provided. Allele origin: germline. Inheritance: Autosomal recessive inheritance. Affected: yes.